The following is an entry in ClinVar:

ClinVar aggregate classification (germline): Uncertain significance (1 of 4 stars; one submission).

gnomAD v4.1: 5 of 1,613,964 alleles (0.00031%); highest among the groups gnomAD compares: African/African-American, 0.0067%; no homozygotes.

Submission:

Labcorp Genetics (formerly Invitae), Labcorp
Classification: Uncertain significance. Last evaluated: 2025-10-03. Review status: criteria provided, single submitter. Criteria: Invitae Variant Classification Sherloc (09022015). Collection method: clinical testing. Allele origin: germline.
Comment: This sequence change replaces glutamic acid, which is acidic and polar, with alanine, which is neutral and non-polar, at codon 58 of the MTMR14 protein (p.Glu58Ala). This variant is present in population databases (no rsID available, gnomAD 0.008%). This variant has not been reported in the literature in individuals affected with MTMR14-related conditions. Invitae Evidence Modeling of protein sequence and biophysical properties (such as structural, functional, and spatial information, amino acid conservation, physicochemical variation, residue mobility, and thermodynamic stability) indicates that this missense variant is not expected to disrupt MTMR14 protein function with a negative predictive value of 80%. In summary, the available evidence is currently insufficient to determine the role of this variant in disease. Therefore, it has been classified as a Variant of Uncertain Significance.

NM_001077525.3(MTMR14):c.173A>C (p.Glu58Ala)

Gene: MTMR14 (myotubularin related protein 14; plus strand). Cytogenetic location: 3p25.3.
Variant type: single nucleotide variant.
Coding change: c.173A>C on transcript NM_001077525.3 (MANE Select); coding-DNA position 173, A replaced by C.
Protein change: p.Glu58Ala; replaces glutamic acid 58 with alanine.
Molecular consequence: missense variant. On other transcripts: 5 prime UTR variant (14), non-coding transcript variant (8), intron variant (6).
Genome position (GRCh38, 1-based): chr3:9,653,634, A>C. VCF-style: chr3-9653634-A-C. GRCh37 (hg19) VCF-style: chr3-9695318-A-C.
Other names: c.173A>C, p.Glu58Ala (NM_001077526.3, NM_001400519.1, NM_001400520.1 and 9 more transcripts); c.242A>C, p.Glu81Ala (NM_001400518.1, NM_001400521.1, NM_001400526.1); c.-333A>C (NM_001400533.1, NM_001400539.1, NM_001400545.1); c.-394A>C (NM_001400534.1, NM_001400538.1, NM_001400541.1 and 3 more transcripts); c.-361A>C (NM_001400540.1); c.-406A>C (NM_001400544.1); c.-543A>C (NM_001400547.1); c.-467A>C (NM_001400548.1); and 4 more; short protein forms E81A, E58A.
Identifiers: ClinVar variation 4751140 (VCV004751140.1).
Genomic context (GRCh38, chr3:9,653,634, plus strand): 5'-CAGAACCCCAGAATTCTCTTTGTGTTCTGGTCTCCTTCTCTGTGCAGGTTGAGCGCATTG[A>C]GAAGAGATGTCTGGAGCTGTTTGGCCGAGACTACTGTTTCAGCGTGATTCCAAACACGAA-3'
Protein context (NP_001070993.1, residues 48-68): GTGGSKVERI[Glu58Ala]KRCLELFGRD